The following is an entry in ClinVar:

ClinVar aggregate classification (germline): Uncertain significance (1 of 4 stars; one submission).

Allele frequency attached by ClinVar (database versions not stated): gnomAD exomes 0.00001; ExAC 0.00002.
gnomAD v4.1: 17 of 1,614,086 alleles (0.0011%); highest among the groups gnomAD compares: Admixed American, 0.0067%; no homozygotes.

Submission:

Labcorp Genetics (formerly Invitae), Labcorp
Classification: Uncertain significance. Last evaluated: 2022-02-28. Review status: criteria provided, single submitter. Criteria: Invitae Variant Classification Sherloc (09022015). Collection method: clinical testing. Allele origin: germline.
Comment: This sequence change replaces proline, which is neutral and non-polar, with leucine, which is neutral and non-polar, at codon 18 of the MME protein (p.Pro18Leu). In summary, the available evidence is currently insufficient to determine the role of this variant in disease. Therefore, it has been classified as a Variant of Uncertain Significance. Algorithms developed to predict the effect of missense changes on protein structure and function are either unavailable or do not agree on the potential impact of this missense change (SIFT: "Deleterious"; PolyPhen-2: "Benign"; Align-GVGD: "Class C0"). This variant has not been reported in the literature in individuals affected with MME-related conditions. This variant is present in population databases (rs755684422, gnomAD 0.006%).

NM_007289.4(MME):c.53C>T (p.Pro18Leu)

Gene: MME (membrane metalloendopeptidase; plus strand). Cytogenetic location: 3q25.2.
Variant type: single nucleotide variant.
Coding change: c.53C>T on transcript NM_007289.4 (MANE Select); coding-DNA position 53, C replaced by T.
Protein change: p.Pro18Leu; replaces proline 18 with leucine.
Molecular consequence: missense variant.
Genome position (GRCh38, 1-based): chr3:155,084,220, C>T. VCF-style: chr3-155084220-C-T. GRCh37 (hg19) VCF-style: chr3-154802009-C-T.
Other names: c.53C>T, p.Pro18Leu (NM_000902.5, NM_001354642.2, NM_001354643.1 and 3 more transcripts); short protein forms P18L.
Identifiers: ClinVar variation 1960644 (VCV001960644.3), dbSNP rs755684422, ClinGen allele CA2674996.